The following is an entry in ClinVar:

ClinVar aggregate classification (germline): Uncertain significance (1 of 4 stars; one submission).

Submission:

GeneDx
Classification: Uncertain significance. Last evaluated: 2023-12-02. Review status: criteria provided, single submitter. Criteria: GeneDx Variant Classification Process June 2021. Collection method: clinical testing. Allele origin: germline. Affected: yes.
Comment: Not observed at significant frequency in large population cohorts (gnomAD); In silico analysis supports that this missense variant has a deleterious effect on protein structure/function; Has not been previously published as pathogenic or benign to our knowledge

NM_001271696.3(ABCB7):c.395A>G (p.Asp132Gly)

Gene: ABCB7 (ATP binding cassette subfamily B member 7; minus strand). Cytogenetic location: Xq13.3.
Variant type: single nucleotide variant.
Coding change: c.395A>G on transcript NM_001271696.3 (MANE Select); coding-DNA position 395, A replaced by G.
Protein change: p.Asp132Gly; replaces aspartic acid 132 with glycine.
Molecular consequence: missense variant. On other transcripts: intron variant (2).
Genome position (GRCh38, 1-based): chrX:75,099,000, T>C on the plus strand (A>G on the coding strand, the complement: ABCB7 is on the minus strand). VCF-style: chrX-75099000-T-C. GRCh37 (hg19) VCF-style: chrX-74318835-T-C.
Other names: c.317A>G, p.Asp106Gly (NM_001271698.3); c.398A>G, p.Asp133Gly (NM_004299.6); c.333+13886A>G (NM_001271697.3); c.336+13886A>G (NM_001271699.3); short protein forms D106G, D132G, D133G.
Identifiers: ClinVar variation 3365086 (VCV003365086.1).